The following is an entry in ClinVar:

ClinVar aggregate classification (germline): Uncertain significance. Review status: criteria provided, multiple submitters, no conflicts (2 of 4 stars). 2 submissions from 2 submitters: Uncertain significance (2). Last evaluated 2024-10-01.

Allele frequency attached by ClinVar (database versions not stated): gnomAD exomes below 0.00001; TOPMed below 0.00001; gnomAD 0.00001.
gnomAD v4.1: 6 of 1,206,302 alleles (0.0005%); highest among the groups gnomAD compares: Non-Finnish European, 0.00067%; no homozygotes.

Submissions (2):

Labcorp Genetics (formerly Invitae), Labcorp
Classification: Uncertain significance. Last evaluated: 2024-10-01. Review status: criteria provided, single submitter. Criteria: Invitae Variant Classification Sherloc (09022015). Collection method: clinical testing. Allele origin: germline.
Comment: This sequence change replaces lysine, which is basic and polar, with threonine, which is neutral and polar, at codon 264 of the PGK1 protein (p.Lys264Thr). This variant is not present in population databases (gnomAD no frequency). This variant has not been reported in the literature in individuals affected with PGK1-related conditions. ClinVar contains an entry for this variant (Variation ID: 452742). Invitae Evidence Modeling of protein sequence and biophysical properties (such as structural, functional, and spatial information, amino acid conservation, physicochemical variation, residue mobility, and thermodynamic stability) indicates that this missense variant is not expected to disrupt PGK1 protein function with a negative predictive value of 80%. In summary, the available evidence is currently insufficient to determine the role of this variant in disease. Therefore, it has been classified as a Variant of Uncertain Significance.

GeneDx
Classification: Uncertain significance. Last evaluated: 2017-10-11. Review status: criteria provided, single submitter. Criteria: GeneDx Variant Classification (06012015). Collection method: clinical testing. Allele origin: germline. Affected: yes.
Comment: The K264T variant in the PGK1 gene has not been reported previously as a pathogenic variant, nor as a benign variant, to our knowledge. The K264T variant is not observed in large population cohorts (Lek et al., 2016). The K264T variant is a semi-conservative amino acid substitution, which may impact secondary protein structure as these residues differ in some properties. This substitution occurs at a position that is conserved in mammals. In silico analysis predicts this variant is probably damaging to the protein structure/function. We interpret K264T as a variant of uncertain significance.

NM_000291.4(PGK1):c.791A>C (p.Lys264Thr)

Gene: PGK1 (phosphoglycerate kinase 1; plus strand). Cytogenetic location: Xq21.1.
Variant type: single nucleotide variant.
Coding change: c.791A>C on transcript NM_000291.4 (MANE Select); coding-DNA position 791, A replaced by C.
Protein change: p.Lys264Thr; replaces lysine 264 with threonine.
Molecular consequence: missense variant.
Genome position (GRCh38, 1-based): chrX:78,123,229, A>C. VCF-style: chrX-78123229-A-C. GRCh37 (hg19) VCF-style: chrX-77378726-A-C.
Other names: short protein forms K264T.
Identifiers: ClinVar variation 452742 (VCV000452742.4), dbSNP rs1388072052, ClinGen allele CA413716376.